The following is an entry in ClinVar:

ClinVar aggregate classification (germline): Uncertain significance (1 of 4 stars; one submission).

Allele frequency attached by ClinVar (database versions not stated): TOPMed below 0.00001.

Submission:

Labcorp Genetics (formerly Invitae), Labcorp
Classification: Uncertain significance. Last evaluated: 2022-01-03. Review status: criteria provided, single submitter. Criteria: Invitae Variant Classification Sherloc (09022015). Collection method: clinical testing. Allele origin: germline.
Comment: In summary, the available evidence is currently insufficient to determine the role of this variant in disease. Therefore, it has been classified as a Variant of Uncertain Significance. Algorithms developed to predict the effect of missense changes on protein structure and function are either unavailable or do not agree on the potential impact of this missense change (SIFT: "Deleterious"; PolyPhen-2: "Probably Damaging"; Align-GVGD: "Class C15"). This variant has not been reported in the literature in individuals affected with KIAA1549-related conditions. This variant is not present in population databases (gnomAD no frequency). This sequence change replaces aspartic acid, which is acidic and polar, with asparagine, which is neutral and polar, at codon 1692 of the KIAA1549 protein (p.Asp1692Asn).

NM_001164665.2(KIAA1549):c.5074G>A (p.Asp1692Asn)

Gene: KIAA1549 (KIAA1549; minus strand). Cytogenetic location: 7q34.
Variant type: single nucleotide variant.
Coding change: c.5074G>A on transcript NM_001164665.2 (MANE Select); coding-DNA position 5074, G replaced by A.
Protein change: p.Asp1692Asn; replaces aspartic acid 1692 with asparagine.
Molecular consequence: missense variant.
Genome position (GRCh38, 1-based): chr7:138,861,312, C>T on the plus strand (G>A on the coding strand, the complement: KIAA1549 is on the minus strand). VCF-style: chr7-138861312-C-T. GRCh37 (hg19) VCF-style: chr7-138546058-C-T.
Other names: c.5074G>A, p.Asp1692Asn (NM_020910.3); short protein forms D1692N.
Identifiers: ClinVar variation 1964885 (VCV001964885.5), dbSNP rs1810566875, ClinGen allele CA369394524.